The following is an entry in ClinVar:

ClinVar aggregate classification (germline): Uncertain significance (1 of 4 stars; one submission).

Submission:

Labcorp Genetics (formerly Invitae), Labcorp
Classification: Uncertain significance. Last evaluated: 2021-04-22. Review status: criteria provided, single submitter. Criteria: Invitae Variant Classification Sherloc (09022015). Collection method: clinical testing. Allele origin: germline.
Comment: In summary, the available evidence is currently insufficient to determine the role of this variant in disease. Therefore, it has been classified as a Variant of Uncertain Significance. Algorithms developed to predict the effect of missense changes on protein structure and function are either unavailable or do not agree on the potential impact of this missense change (SIFT: "Not Available"; PolyPhen-2: "Probably Damaging"; Align-GVGD: "Not Available"). This variant has not been reported in the literature in individuals with NPPC-related conditions. This variant is not present in population databases (ExAC no frequency). This sequence change replaces glycine with arginine at codon 105 of the NPPC protein (p.Gly105Arg). The glycine residue is highly conserved and there is a moderate physicochemical difference between glycine and arginine.

NM_024409.4(NPPC):c.313G>C (p.Gly105Arg)

Genes: NPPC (natriuretic peptide C; minus strand), LOC129935852 (ATAC-STARR-seq lymphoblastoid silent region 12452; plus strand). Cytogenetic location: 2q37.1.
Variant type: single nucleotide variant.
Coding change: c.313G>C on transcript NM_024409.4 (MANE Select); coding-DNA position 313, G replaced by C.
Protein change: p.Gly105Arg; replaces glycine 105 with arginine.
Molecular consequence: missense variant.
Genome position (GRCh38, 1-based): chr2:231,925,493, C>G on the plus strand (G>C on the coding strand, the complement: NPPC is on the minus strand). VCF-style: chr2-231925493-C-G. GRCh37 (hg19) VCF-style: chr2-232790203-C-G.
Other names: short protein forms G105R.
Identifiers: ClinVar variation 1345192 (VCV001345192.6), dbSNP rs1691990547, ClinGen allele CA351149944.